The following is an entry in ClinVar:

ClinVar aggregate classification (germline): Likely benign (0 of 4 stars; one submission).

Conditions:
PEAK1-related disorder. Also called: PEAK1-related condition.

Submission:

PreventionGenetics, part of Exact Sciences
Classification: Likely benign for PEAK1-related condition. Last evaluated: 2021-03-29. Review status: no assertion criteria provided. Collection method: clinical testing. Allele origin: germline.
Comment: This variant is classified as likely benign based on ACMG/AMP sequence variant interpretation guidelines (Richards et al. 2015 PMID: 25741868, with internal and published modifications).

NM_001385026.1(PEAK1):c.1971C>G (p.Thr657=)

Genes: PEAK1 (pseudopodium enriched atypical kinase 1; minus strand), LOC130057657 (ATAC-STARR-seq lymphoblastoid active region 9891; plus strand). Cytogenetic location: 15q24.3.
Variant type: single nucleotide variant.
Coding change: c.1971C>G on transcript NM_001385026.1 (MANE Select); coding-DNA position 1971, C replaced by G.
Protein change: p.Thr657=; no amino-acid change (threonine 657 retained).
Molecular consequence: synonymous variant.
Genome position (GRCh38, 1-based): chr15:77,179,956, G>C on the plus strand (C>G on the coding strand, the complement: PEAK1 is on the minus strand). VCF-style: chr15-77179956-G-C. GRCh37 (hg19) VCF-style: chr15-77472298-G-C.
Other names: c.1971C>G, p.Thr657= (NM_001385027.1, NM_001387085.1, NM_001387086.1 and 1 more transcripts).
Identifiers: ClinVar variation 3031058 (VCV003031058.2), dbSNP rs2548377608, ClinGen allele CA491505854.
Genomic context (GRCh38, chr15:77,179,956, plus strand): 5'-GTTATCAGGCACTTTGCTTTCTGTTTCTATTTCTTCATAAGTATGGCTTATTACACTTGT[G>C]GTTTTTTCCTTCACTGAGAGTTCTCCACTTGTTCCCAGAAAACTTTTGTAGATAGCTAGA-3'
Protein context (NP_001371955.1, residues 647-667): TSGELSVKEK[Thr657=]TSVISHTYEE